The following is an entry in ClinVar:

NM_002335.4(LRP5):c.3027+6T>C

Gene: LRP5 (LDL receptor related protein 5; plus strand). Cytogenetic location: 11q13.2.
Variant type: single nucleotide variant.
Coding change: c.3027+6T>C on transcript NM_002335.4 (MANE Select); 6 bases into the intron after coding-DNA position 3027, T replaced by C.
Molecular consequence: intron variant.
Genome position (GRCh38, 1-based): chr11:68,416,533, T>C. VCF-style: chr11-68416533-T-C. GRCh37 (hg19) VCF-style: chr11-68184001-T-C.
Other names: c.1284+6T>C (NM_001291902.2).
Identifiers: ClinVar variation 956857 (VCV000956857.9), dbSNP rs1416830773, ClinGen allele CA679574241.
Genomic context (GRCh38, chr11:68,416,533, plus strand): 5'-CTACTGGGTGGATGGGCGCCAGAACATCAAGCGAGCCAAGGACGACGGGACCCAGGCAGG[T>C]GCCCTGTGGGAAGGGTGCGGGGTGTGCTTCCCAAGGCGCTCCTCTTGCTGGTTTCCAGGC-3'

ClinVar aggregate classification (germline): Uncertain significance (1 of 4 stars; one submission).

Allele frequency attached by ClinVar (database versions not stated): gnomAD 0.00001; TOPMed 0.00001.
gnomAD v4.1: 1 of 1,613,854 alleles (0.000062%); highest among the groups gnomAD compares: African/African-American, 0.0013%; no homozygotes.

Submission:

Labcorp Genetics (formerly Invitae), Labcorp
Classification: Uncertain significance. Last evaluated: 2022-02-24. Review status: criteria provided, single submitter. Criteria: Invitae Variant Classification Sherloc (09022015). Collection method: clinical testing. Allele origin: germline.
Comment: This sequence change falls in intron 13 of the LRP5 gene. It does not directly change the encoded amino acid sequence of the LRP5 protein. It affects a nucleotide within the consensus splice site. This variant is not present in population databases (gnomAD no frequency). This variant has not been reported in the literature in individuals affected with LRP5-related conditions. ClinVar contains an entry for this variant (Variation ID: 956857). Variants that disrupt the consensus splice site are a relatively common cause of aberrant splicing (PMID: 17576681, 9536098). Algorithms developed to predict the effect of sequence changes on RNA splicing suggest that this variant may disrupt the consensus splice site. In summary, the available evidence is currently insufficient to determine the role of this variant in disease. Therefore, it has been classified as a Variant of Uncertain Significance.

Literature cited by the submitters: PubMed 17576681; PubMed 9536098.